The following is an entry in ClinVar:

ClinVar aggregate classification (germline): Uncertain significance. Review status: criteria provided, multiple submitters, no conflicts (2 of 4 stars). 8 submissions from 8 submitters: Uncertain significance (8). Last evaluated 2026-09-01.

Conditions:
Cardiovascular phenotype. Identifiers: MedGen CN230736.
Arrhythmogenic right ventricular dysplasia 2. Identifiers: MedGen C1832931.
Catecholaminergic polymorphic ventricular tachycardia 1. Also called: VENTRICULAR TACHYCARDIA, CATECHOLAMINERGIC POLYMORPHIC, 1, WITH OR WITHOUT ATRIAL DYSFUNCTION AND/OR DILATED CARDIOMYOPATHY; RYR2-Related Catecholaminergic Polymorphic Ventricular Tachycardia; VENTRICULAR TACHYCARDIA, STRESS-INDUCED POLYMORPHIC 1. Identifiers: Orphanet 3286, MedGen C1631597, MONDO:0011484, OMIM 604772.
Ventricular arrhythmias due to cardiac ryanodine receptor calcium release deficiency syndrome. Also called: Autosomal dominant cardiac arrhythmia (Kuhn). Identifiers: MedGen C5542154, MONDO:0020745, OMIM 115000.
Catecholaminergic polymorphic ventricular tachycardia (CVPT). Also called: Catecholamine-induced polymorphic ventricular tachycardia. Identifiers: Orphanet 3286, MedGen C5574922, MONDO:0017990.
Cardiomyopathy (CMYO). Also called: Cardiomyopathies. Identifiers: Orphanet 167848, MedGen C0878544, MONDO:0004994, HP:0001638. Inheritance: Various modes of inheritance.

Allele frequency attached by ClinVar (database versions not stated): gnomAD 0.00001; TOPMed 0.00002.
gnomAD v4.1: 7 of 1,595,550 alleles (0.00044%); highest among the groups gnomAD compares: Admixed American, 0.0017%; no homozygotes.

Submissions (8):

CeGaT Center for Human Genetics Tuebingen
Classification: Uncertain significance. Last evaluated: 2026-09-01. Review status: criteria provided, single submitter. Criteria: CeGaT Center For Human Genetics Tuebingen Variant Classification Criteria Version 2. Collection method: clinical testing. Allele origin: germline. Affected: yes. Observed: 2 variant alleles.

Dasa
Classification: Uncertain significance. Last evaluated: 2026-01-19. Review status: criteria provided, single submitter. Criteria: DASA Assertion Criteria. Collection method: clinical testing. Allele origin: germline.
Comment: NM_001035.3(RYR2):c.10529G>T (p.Arg3510Leu) is a missense variant that results in the substitution of arginine with leucine. This variant is rare in population databases. The currently available literature and clinical evidence are not sufficient to establish a definitive association between this variant and the reported condition. Therefore, this variant is classified as a variant of uncertain significance.

Ambry Genetics
Classification: Uncertain significance for Cardiovascular phenotype. Last evaluated: 2026-01-14. Review status: criteria provided, single submitter. Criteria: Ambry Variant Classification Scheme 2023. Collection method: clinical testing. Allele origin: germline.

Labcorp Genetics (formerly Invitae), Labcorp
Classification: Uncertain significance for Catecholaminergic polymorphic ventricular tachycardia 1. Last evaluated: 2024-12-12. Review status: criteria provided, single submitter. Criteria: Invitae Variant Classification Sherloc (09022015). Collection method: clinical testing. Allele origin: germline.
Comment: This sequence change replaces arginine, which is basic and polar, with leucine, which is neutral and non-polar, at codon 3510 of the RYR2 protein (p.Arg3510Leu). This variant is not present in population databases (gnomAD no frequency). This variant has not been reported in the literature in individuals affected with RYR2-related conditions. ClinVar contains an entry for this variant (Variation ID: 920849). Invitae Evidence Modeling of protein sequence and biophysical properties (such as structural, functional, and spatial information, amino acid conservation, physicochemical variation, residue mobility, and thermodynamic stability) indicates that this missense variant is not expected to disrupt RYR2 protein function with a negative predictive value of 95%. In summary, the available evidence is currently insufficient to determine the role of this variant in disease. Therefore, it has been classified as a Variant of Uncertain Significance.

All of Us Research Program, National Institutes of Health
Classification: Uncertain significance for Catecholaminergic polymorphic ventricular tachycardia. Last evaluated: 2024-04-16. Review status: criteria provided, single submitter. Criteria: ACMG Guidelines, 2015. Collection method: clinical testing. Allele origin: germline. Inheritance: Autosomal dominant inheritance. Observed: 7 variant alleles, 7 heterozygotes.
Comment: This missense variant replaces arginine with leucine at codon 3510 of the RYR2 protein. Computational prediction is inconclusive regarding the impact of this variant on protein structure and function (internally defined REVEL score threshold 0.5 < inconclusive < 0.7, PMID: 27666373). To our knowledge, functional studies have not been reported for this variant. This variant has not been reported in individuals affected with cardiovascular disorders in the literature. This variant has not been identified in the general population by the Genome Aggregation Database (gnomAD). The available evidence is insufficient to determine the role of this variant in disease conclusively. Therefore, this variant is classified as a Variant of Uncertain Significance.

This study involves interpretation of variants in research participants for the purpose of population health screening. Participant phenotype was not available at the time of variant classification. Additional details can be found in publication PMID: 35346344, PMCID: PMC8962531

Color Diagnostics, LLC DBA Color Health
Classification: Uncertain significance for Cardiomyopathy. Last evaluated: 2024-03-06. Review status: criteria provided, single submitter. Criteria: ACMG Guidelines, 2015. Collection method: clinical testing. Allele origin: germline.
Comment: This missense variant replaces arginine with leucine at codon 3510 of the RYR2 protein. Computational prediction is inconclusive regarding the impact of this variant on protein structure and function (internally defined REVEL score threshold 0.5 < inconclusive < 0.7, PMID: 27666373). To our knowledge, functional studies have not been reported for this variant. This variant has not been reported in individuals affected with RYR2-related disorders in the literature. This variant has not been identified in the general population by the Genome Aggregation Database (gnomAD). The available evidence is insufficient to determine the role of this variant in disease conclusively. Therefore, this variant is classified as a Variant of Uncertain Significance.

Fulgent Genetics
Classification: Uncertain significance for Ventricular arrhythmias due to cardiac ryanodine receptor calcium release deficiency syndrome; Catecholaminergic polymorphic ventricular tachycardia 1. Last evaluated: 2021-08-31. Review status: criteria provided, single submitter. Criteria: ACMG Guidelines, 2015. Collection method: clinical testing. Allele origin: unknown.

Women's Health and Genetics/Laboratory Corporation of America, LabCorp
Classification: Uncertain significance. Last evaluated: 2021-05-17. Review status: criteria provided, single submitter. Criteria: LabCorp Variant Classification Summary - May 2015. Collection method: clinical testing. Allele origin: germline.
Comment: Variant summary: RYR2 c.10529G>T (p.Arg3510Leu) results in a non-conservative amino acid change in the encoded protein sequence. Three of five in-silico tools predict a damaging effect of the variant on protein function. The variant was absent in 248236 control chromosomes (gnomAD). The available data on variant occurrences in the general population are insufficient to allow any conclusion about variant significance. To our knowledge, no occurrence of c.10529G>T in individuals affected with Catecholaminergic Polymorphic Ventricular Tachycardia and no experimental evidence demonstrating its impact on protein function have been reported. One ClinVar submitter (evaluation after 2014) cites the variant as uncertain significance. Based on the evidence outlined above, the variant was classified as uncertain significance.

NM_001035.3(RYR2):c.10529G>T (p.Arg3510Leu)

Gene: RYR2 (ryanodine receptor 2; plus strand). Cytogenetic location: 1q43.
Variant type: single nucleotide variant.
Coding change: c.10529G>T on transcript NM_001035.3 (MANE Select); coding-DNA position 10529, G replaced by T.
Protein change: p.Arg3510Leu; replaces arginine 3510 with leucine.
Molecular consequence: missense variant.
Genome position (GRCh38, 1-based): chr1:237,718,496, G>T. VCF-style: chr1-237718496-G-T. GRCh37 (hg19) VCF-style: chr1-237881796-G-T.
Other names: short protein forms R3510L.
Identifiers: ClinVar variation 920849 (VCV000920849.22), dbSNP rs375947003, ClinGen allele CA345415268.
Genomic context (GRCh38, chr1:237,718,496, plus strand): 5'-TTTAGGTAACATATATTTCTTGACAGAAAGATACCGAGGATGAAGTACGAGATATAATCC[G>T]CAGCAATATTCATTTACAAGGCAAGGTAAGCCAAATTTTATTCTTAAGCCACATTTACTA-3'
Protein context (NP_001026.2, residues 3500-3520): DTEDEVRDII[Arg3510Leu]SNIHLQGKLE